The following is an entry in ClinVar:

ClinVar aggregate classification (germline): Uncertain significance (1 of 4 stars; one submission).

Conditions:
Aortic aneurysm, familial thoracic 4 (AAT4). Also called: AORTIC ANEURYSM/AORTIC DISSECTION AND PATENT DUCTUS ARTERIOSUS. Identifiers: MedGen C1851504, MONDO:0007568, OMIM 132900.

Submission:

Labcorp Genetics (formerly Invitae), Labcorp
Classification: Uncertain significance for Aortic aneurysm, familial thoracic 4. Last evaluated: 2017-05-20. Review status: criteria provided, single submitter. Criteria: Invitae Variant Classification Sherloc (09022015). Collection method: clinical testing. Allele origin: germline.
Comment: In summary, this variant has uncertain impact on MYH11 function. The available evidence is currently insufficient to determine its role in disease. Therefore, it has been classified as a Variant of Uncertain Significance. Algorithms developed to predict the effect of missense changes on protein structure and function do not agree on the potential impact of this missense change (SIFT: "Deleterious"; PolyPhen-2: "Possibly Damaging"; Align-GVGD: "Class C0"). This variant has not been reported in the literature in individuals with a MYH11-related disease. This variant is not present in population databases (ExAC no frequency). This sequence change replaces leucine with isoleucine at codon 1151 of the MYH11 protein (p.Leu1151Ile). The leucine residue is highly conserved and there is a small physicochemical difference between leucine and isoleucine.

NM_002474.3(MYH11):c.3430C>A (p.Leu1144Ile)

Gene: MYH11 (myosin heavy chain 11; minus strand). Cytogenetic location: 16p13.11.
Variant type: single nucleotide variant.
Coding change: c.3430C>A on transcript NM_002474.3 (MANE Select); coding-DNA position 3430, C replaced by A.
Protein change: p.Leu1144Ile; replaces leucine 1144 with isoleucine.
Molecular consequence: missense variant.
Genome position (GRCh38, 1-based): chr16:15,735,442, G>T on the plus strand (C>A on the coding strand, the complement: MYH11 is on the minus strand). VCF-style: chr16-15735442-G-T. GRCh37 (hg19) VCF-style: chr16-15829299-G-T.
Other names: c.3451C>A, p.Leu1151Ile (NM_001040113.2, NM_001040114.2); c.3430C>A, p.Leu1144Ile (NM_022844.3); short protein forms L1151I, L1144I.
Identifiers: ClinVar variation 465725 (VCV000465725.8), dbSNP rs1555556567, ClinGen allele CA394861888.